The following is an entry in ClinVar:

ClinVar aggregate classification (germline): Uncertain significance (1 of 4 stars; one submission).

Submission:

Labcorp Genetics (formerly Invitae), Labcorp
Classification: Uncertain significance. Last evaluated: 2021-04-24. Review status: criteria provided, single submitter. Criteria: Invitae Variant Classification Sherloc (09022015). Collection method: clinical testing. Allele origin: germline.
Comment: This sequence change falls in intron 6 of the RASGRP1 gene. It does not directly change the encoded amino acid sequence of the RASGRP1 protein. It affects a nucleotide within the consensus splice site of the intron. This variant is not present in population databases (ExAC no frequency). This variant has not been reported in the literature in individuals with RASGRP1-related conditions. Nucleotide substitutions within the consensus splice site are a relatively common cause of aberrant splicing (PMID: 17576681, 9536098). Algorithms developed to predict the effect of sequence changes on RNA splicing suggest that this variant is not likely to affect RNA splicing, but this prediction has not been confirmed by published transcriptional studies. In summary, the available evidence is currently insufficient to determine the role of this variant in disease. Therefore, it has been classified as a Variant of Uncertain Significance.

Literature cited by the submitters: PubMed 17576681; PubMed 9536098.

NM_005739.4(RASGRP1):c.676-3C>T

Gene: RASGRP1 (RAS guanyl releasing protein 1; minus strand). Cytogenetic location: 15q14.
Variant type: single nucleotide variant.
Coding change: c.676-3C>T on transcript NM_005739.4 (MANE Select); 3 bases into the intron before coding-DNA position 676, C replaced by T.
Molecular consequence: intron variant.
Genome position (GRCh38, 1-based): chr15:38,512,959, G>A on the plus strand (C>T on the coding strand, the complement: RASGRP1 is on the minus strand). VCF-style: chr15-38512959-G-A. GRCh37 (hg19) VCF-style: chr15-38805160-G-A.
Other names: c.676-3C>T (NM_001306086.2, NM_001128602.2).
Identifiers: ClinVar variation 1946023 (VCV001946023.2), dbSNP rs1264800010, ClinGen allele CA2580089315.
Genomic context (GRCh38, chr15:38,512,959, plus strand): 5'-CCATGGTGGGGTTTTCCTTCACACAGCTATTTACAAGGTAATTCTGATAATCAGAGAACT[G>A]CAGGAAAAGAAACAACAACAACAAAAAAAACCTATCAGTACTGTACTCTGGTATTCCAGA-3'